The following is an entry in ClinVar:

NM_014698.3(TMEM63A):c.406G>A (p.Ala136Thr)

Gene: TMEM63A (transmembrane protein 63A; minus strand). Cytogenetic location: 1q42.12.
Variant type: single nucleotide variant.
Coding change: c.406G>A on transcript NM_014698.3 (MANE Select); coding-DNA position 406, G replaced by A.
Protein change: p.Ala136Thr; replaces alanine 136 with threonine.
Molecular consequence: missense variant.
Genome position (GRCh38, 1-based): chr1:225,867,996, C>T on the plus strand (G>A on the coding strand, the complement: TMEM63A is on the minus strand). VCF-style: chr1-225867996-C-T. GRCh37 (hg19) VCF-style: chr1-226055696-C-T.
Other names: short protein forms A136T.
Identifiers: ClinVar variation 3049055 (VCV003049055.3), dbSNP rs80287818, ClinGen allele CA1419563.
Genomic context (GRCh38, chr1:225,867,996, plus strand): 5'-AAAAGCTGACCACCACCAACAGGAAGATGATGTGCCTCTGGAAGGACAGGTAGTGGATGG[C>T]GTCCTCCCCACACCATTCCAGGATCTGGTCATCACTGGCCAAGACACAGAGGAATCTTAA-3'
Protein context (NP_055513.2, residues 126-146): DQILEWCGED[Ala136Thr]IHYLSFQRHI

ClinVar aggregate classification (germline): Likely benign. Review status: criteria provided, single submitter (1 of 4 stars). 2 submissions from 2 submitters: Likely benign (1). 1 of the submissions does not count toward it. Last evaluated 2025-08-05.

Conditions:
TMEM63A-related disorder. Also called: TMEM63A-related condition.
Inborn genetic diseases. Identifiers: MedGen C0950123, MeSH D030342.

Allele frequency attached by ClinVar (database versions not stated): gnomAD exomes 0.00003; ESP Exome Variant Server 0.00054; 1000 Genomes Project 0.00060; 1000 Genomes Project 30x 0.00062.
gnomAD v4.1: 114 of 1,613,788 alleles (0.0071%); highest among the groups gnomAD compares: African/African-American, 0.11%; no homozygotes.

Submissions (2):

Ambry Genetics
Classification: Likely benign for Inborn genetic diseases. Last evaluated: 2025-08-05. Review status: criteria provided, single submitter. Criteria: Ambry Variant Classification Scheme 2023. Collection method: clinical testing. Allele origin: germline.

PreventionGenetics, part of Exact Sciences
Classification: Likely benign for TMEM63A-related condition. Last evaluated: 2023-05-15. Review status: no assertion criteria provided. Collection method: clinical testing. Allele origin: germline. Not counted in ClinVar's aggregate classification.
Comment: This variant is classified as likely benign based on ACMG/AMP sequence variant interpretation guidelines (Richards et al. 2015 PMID: 25741868, with internal and published modifications).